The following is an entry in ClinVar:

ClinVar aggregate classification (germline): Conflicting classifications of pathogenicity. Review status: criteria provided, conflicting classifications (1 of 4 stars). 2 submissions from 2 submitters: Uncertain significance (1); Likely benign (1). Last evaluated 2024-09-20.

Conditions:
Mucopolysaccharidosis, MPS-III-D (MPS3D). Also called: N-ACETYLGLUCOSAMINE-6-SULFATASE DEFICIENCY; SANFILIPPO SYNDROME D; MPS III D; Mucopoly-saccharidosis type 3D; N-acetylglucosamine-6-sulfate sulfatase deficiency; MPS 3D. Identifiers: Orphanet 581, Orphanet 79272, MedGen C0086650, MONDO:0009658, OMIM 252940.

Allele frequency attached by ClinVar (database versions not stated): gnomAD exomes 0.00001; TOPMed below 0.00001.
gnomAD v4.1: 18 of 1,612,998 alleles (0.0011%); highest among the groups gnomAD compares: South Asian, 0.0099%; no homozygotes.

Submissions (2):

3billion
Classification: Likely benign for Mucopolysaccharidosis, MPS-III-D. Last evaluated: 2024-09-20. Review status: criteria provided, single submitter. Criteria: ACMG Guidelines, 2015. Collection method: clinical testing. Allele origin: germline. Affected: no.
Comment: The homozygous variant was found in patients diagnosed with another variant in a different gene, with no symptoms related to the gene containing the homozygous variant.

Labcorp Genetics (formerly Invitae), Labcorp
Classification: Uncertain significance for Mucopolysaccharidosis, MPS-III-D. Last evaluated: 2022-08-01. Review status: criteria provided, single submitter. Criteria: Invitae Variant Classification Sherloc (09022015). Collection method: clinical testing. Allele origin: germline.
Comment: This sequence change replaces methionine, which is neutral and non-polar, with valine, which is neutral and non-polar, at codon 535 of the GNS protein (p.Met535Val). This variant is present in population databases (no rsID available, gnomAD 0.006%). This variant has not been reported in the literature in individuals affected with GNS-related conditions. ClinVar contains an entry for this variant (Variation ID: 1429576). Algorithms developed to predict the effect of missense changes on protein structure and function are either unavailable or do not agree on the potential impact of this missense change (SIFT: "Deleterious"; PolyPhen-2: "Benign"; Align-GVGD: "Class C0"). In summary, the available evidence is currently insufficient to determine the role of this variant in disease. Therefore, it has been classified as a Variant of Uncertain Significance.

NM_002076.4(GNS):c.1603A>G (p.Met535Val)

Gene: GNS (glucosamine (N-acetyl)-6-sulfatase; minus strand). Cytogenetic location: 12q14.3.
Variant type: single nucleotide variant.
Coding change: c.1603A>G on transcript NM_002076.4 (MANE Select); coding-DNA position 1603, A replaced by G.
Protein change: p.Met535Val; replaces methionine 535 with valine.
Molecular consequence: missense variant.
Genome position (GRCh38, 1-based): chr12:64,716,797, T>C on the plus strand (A>G on the coding strand, the complement: GNS is on the minus strand). VCF-style: chr12-64716797-T-C. GRCh37 (hg19) VCF-style: chr12-65110577-T-C.
Other names: short protein forms M535V.
Identifiers: ClinVar variation 1429576 (VCV001429576.6), dbSNP rs1320846022, ClinGen allele CA385599932.